The following is an entry in ClinVar:

ClinVar aggregate classification (germline): Likely benign. Review status: criteria provided, multiple submitters, no conflicts (2 of 4 stars). 4 submissions from 4 submitters: Likely benign (4). Last evaluated 2026-02-01.

Conditions:
Hereditary cancer-predisposing syndrome. Also called: Hereditary neoplastic syndrome; Tumor predisposition; Neoplastic Syndromes, Hereditary; Hereditary Cancer Syndrome. Identifiers: Orphanet 140162, MedGen C0027672, MeSH D009386, MONDO:0015356.
Hereditary diffuse gastric adenocarcinoma (HDGC). Also called: DIFFUSE GASTRIC AND LOBULAR BREAST CANCER SYNDROME. Identifiers: Orphanet 26106, MedGen C1708349, MONDO:0007648, OMIM 137215.

Allele frequency attached by ClinVar (database versions not stated): gnomAD 0.00001 and 0.00002; TOPMed 0.00001.
gnomAD v4.1: 2 of 1,613,938 alleles (0.00012%); highest among the groups gnomAD compares: African/African-American, 0.0027%; no homozygotes.

Submissions (4):

Labcorp Genetics (formerly Invitae), Labcorp
Classification: Likely benign for Hereditary diffuse gastric adenocarcinoma. Last evaluated: 2026-02-01. Review status: criteria provided, single submitter. Criteria: Invitae Variant Classification Sherloc (09022015). Collection method: clinical testing. Allele origin: germline.

Myriad Genetics, Inc.
Classification: Likely benign for Hereditary diffuse gastric adenocarcinoma. Last evaluated: 2024-09-17. Review status: criteria provided, single submitter. Criteria: Myriad Autosomal Dominant, Autosomal Recessive and X-Linked Classification Criteria (2023). Collection method: clinical testing. Allele origin: unknown.
Comment: This variant is considered likely benign. This variant is intronic and is not expected to impact mRNA splicing.

Color Diagnostics, LLC DBA Color Health
Classification: Likely benign for Hereditary cancer-predisposing syndrome. Last evaluated: 2016-07-27. Review status: criteria provided, single submitter. Criteria: ACMG Guidelines, 2015. Collection method: clinical testing. Allele origin: germline.

GeneDx
Classification: Likely benign. Last evaluated: 2015-12-14. Review status: criteria provided, single submitter. Criteria: GeneDx Variant Classification (06012015). Collection method: clinical testing. Allele origin: germline. Affected: yes.
Comment: This variant is considered likely benign or benign based on one or more of the following criteria: it is a conservative change, it occurs at a poorly conserved position in the protein, it is predicted to be benign by multiple in silico algorithms, and/or has population frequency not consistent with disease.

NM_004360.5(CDH1):c.1009-16G>A

Gene: CDH1 (cadherin 1; plus strand). Cytogenetic location: 16q22.1.
Variant type: single nucleotide variant.
Coding change: c.1009-16G>A on transcript NM_004360.5 (MANE Select); 16 bases into the intron before coding-DNA position 1009, G replaced by A.
Molecular consequence: intron variant.
Genome position (GRCh38, 1-based): chr16:68,812,119, G>A. VCF-style: chr16-68812119-G-A. GRCh37 (hg19) VCF-style: chr16-68846022-G-A.
Other names: c.1009-16G>A (LRG_301t1, NM_001317184.2); c.-607-16G>A (NM_001317185.2); c.-811-16G>A (NM_001317186.2).
Identifiers: ClinVar variation 382200 (VCV000382200.12), dbSNP rs1057521282, ClinGen allele CA16607447.
Genomic context (GRCh38, chr16:68,812,119, plus strand): 5'-CCATGTGTTGGGCTGGGCTAGGCCAAAGGTGGCTAGTGTTCCTGGTCCTGACTTGGTTGT[G>A]TCGATCTCTCTGCAGAGTTTCCCTACGTATACCCTGGTGGTTCAAGCTGCTGACCTTCAA-3'